The following is an entry in ClinVar:

ClinVar aggregate classification (germline): Uncertain significance (1 of 4 stars; one submission).

gnomAD v4.1: 1 of 1,604,316 alleles (0.000062%); highest among the groups gnomAD compares: Non-Finnish European, 0.000085%; no homozygotes.

Submission:

Ambry Genetics
Classification: Uncertain significance. Last evaluated: 2026-02-16. Review status: criteria provided, single submitter. Criteria: Ambry Variant Classification Scheme 2023. Collection method: clinical testing. Allele origin: germline.
Comment: The p.K2154R variant (also known as c.6461A>G), located in coding exon 27 of the WNK2 gene, results from an A to G substitution at nucleotide position 6461. The lysine at codon 2154 is replaced by arginine, an amino acid with highly similar properties. This amino acid position is conserved. In addition, this alteration is predicted to be tolerated by in silico analysis. Based on the available evidence, the clinical significance of this variant remains unclear.

NM_006648.4(WNK2):c.6461A>G (p.Lys2154Arg)

Gene: WNK2 (WNK lysine deficient protein kinase 2; plus strand). Cytogenetic location: 9q22.31.
Variant type: single nucleotide variant.
Coding change: c.6461A>G on transcript NM_006648.4 (MANE Select); coding-DNA position 6461, A replaced by G.
Protein change: p.Lys2154Arg; replaces lysine 2154 with arginine.
Molecular consequence: missense variant.
Genome position (GRCh38, 1-based): chr9:93,308,529, A>G. VCF-style: chr9-93308529-A-G. GRCh37 (hg19) VCF-style: chr9-96070811-A-G.
Other names: c.6572A>G, p.Lys2191Arg (NM_001282394.3); short protein forms K2154R, K2191R.
Identifiers: ClinVar variation 4844905 (VCV004844905.1).